The following is an entry in ClinVar:

NM_006206.6(PDGFRA):c.1323G>A (p.Pro441=)

Gene: PDGFRA (platelet derived growth factor receptor alpha; plus strand). Cytogenetic location: 4q12.
Variant type: single nucleotide variant.
Coding change: c.1323G>A on transcript NM_006206.6 (MANE Select); coding-DNA position 1323, G replaced by A.
Protein change: p.Pro441=; no amino-acid change (proline 441 retained).
Molecular consequence: synonymous variant.
Genome position (GRCh38, 1-based): chr4:54,272,479, G>A. VCF-style: chr4-54272479-G-A. GRCh37 (hg19) VCF-style: chr4-55138646-G-A.
Other names: c.1323G>A, p.Pro441= (NM_001347827.2, NM_001347829.2); c.1398G>A, p.Pro466= (NM_001347828.2); c.1362G>A, p.Pro454= (NM_001347830.2); c.1323G>A (NM_006206.5).
Identifiers: ClinVar variation 700992 (VCV000700992.19), dbSNP rs760740153, ClinGen allele CA2922521.

ClinVar aggregate classification (germline): Benign/Likely benign. Review status: criteria provided, multiple submitters, no conflicts (2 of 4 stars). 5 submissions from 5 submitters: Benign (1); Likely benign (3). 1 of the submissions does not count toward it. Last evaluated 2026-06-17.

Conditions:
Polyps, multiple and recurrent inflammatory fibroid, gastrointestinal. Identifiers: MedGen C5193005, MONDO:0008285, OMIM 175510.
PDGFRA-related disorder. Also called: PDGFRA-related condition.
Hereditary cancer-predisposing syndrome. Also called: Neoplastic Syndromes, Hereditary; Hereditary neoplastic syndrome; Hereditary Cancer Syndrome; Tumor predisposition. Identifiers: Orphanet 140162, MedGen C0027672, MeSH D009386, MONDO:0015356.
Gastrointestinal stromal tumor. Also called: Gastrointestinal stromal tumor, somatic; Gastrointestinal stroma tumor. Identifiers: Orphanet 44890, MedGen C0238198, MeSH D046152, MONDO:0011719, OMIM 606764, HP:0100723.

Allele frequency attached by ClinVar (database versions not stated): gnomAD 0.00002 and 0.00004; TOPMed 0.00002; ExAC 0.00005; gnomAD exomes 0.00005.
gnomAD v4.1: 74 of 1,613,818 alleles (0.0046%); highest among the groups gnomAD compares: East Asian, 0.058%; 2 homozygotes.

Submissions (5):

Myriad Genetics, Inc.
Classification: Benign for Polyps, multiple and recurrent inflammatory fibroid, gastrointestinal. Last evaluated: 2026-06-17. Review status: criteria provided, single submitter. Criteria: Myriad Autosomal Dominant, Autosomal Recessive and X-Linked Classification Criteria (2023). Collection method: clinical testing. Allele origin: unknown.
Comment: This variant is considered benign. This variant is a silent/synonymous amino acid change and it is not expected to impact splicing.

Labcorp Genetics (formerly Invitae), Labcorp
Classification: Likely benign for Gastrointestinal stromal tumor. Last evaluated: 2025-11-17. Review status: criteria provided, single submitter. Criteria: Invitae Variant Classification Sherloc (09022015). Collection method: clinical testing. Allele origin: germline.

Blueprint Genetics
Classification: Likely benign. Last evaluated: 2023-04-14. Review status: criteria provided, single submitter. Criteria: ACMG Guidelines, 2015. Collection method: clinical testing. Allele origin: germline.

Ambry Genetics
Classification: Likely benign for Hereditary cancer-predisposing syndrome. Last evaluated: 2018-12-14. Review status: criteria provided, single submitter. Criteria: Ambry Variant Classification Scheme 2023. Collection method: clinical testing. Allele origin: germline.

PreventionGenetics, part of Exact Sciences
Classification: Likely benign for PDGFRA-related condition. Last evaluated: 2019-05-23. Review status: no assertion criteria provided. Collection method: clinical testing. Allele origin: germline. Not counted in ClinVar's aggregate classification.
Comment: This variant is classified as likely benign based on ACMG/AMP sequence variant interpretation guidelines (Richards et al. 2015 PMID: 25741868, with internal and published modifications).